The following is an entry in ClinVar:

NM_001166108.2(PALLD):c.1040C>T (p.Thr347Met)

Gene: PALLD (palladin, cytoskeletal associated protein; plus strand). Cytogenetic location: 4q32.3.
Variant type: single nucleotide variant.
Coding change: c.1040C>T on transcript NM_001166108.2 (MANE Select); coding-DNA position 1040, C replaced by T.
Protein change: p.Thr347Met; replaces threonine 347 with methionine.
Molecular consequence: missense variant. On other transcripts: 5 prime UTR variant (1).
Genome position (GRCh38, 1-based): chr4:168,668,321, C>T. VCF-style: chr4-168668321-C-T. GRCh37 (hg19) VCF-style: chr4-169589472-C-T.
Other names: p.T347M:ACG>ATG; c.-107C>T (NM_001166109.2); c.1040C>T, p.Thr347Met (NM_016081.4); short protein forms T347M.
Identifiers: ClinVar variation 128094 (VCV000128094.7), dbSNP rs150711066, ClinGen allele CA288340.

ClinVar aggregate classification (germline): Conflicting classifications of pathogenicity. Review status: criteria provided, conflicting classifications (1 of 4 stars). 3 submissions from 3 submitters: Uncertain significance (1); Benign (1). 1 of the submissions does not count toward it. Last evaluated 2018-01-12.

Conditions:
PALLD-related disorder. Also called: PALLD-related condition.
Pancreatic cancer, susceptibility to, 1. Identifiers: Orphanet 1333, MedGen C1847351, MONDO:0011739, OMIM 606856.

Allele frequency attached by ClinVar (database versions not stated): 1000 Genomes Project 30x 0.00016; 1000 Genomes Project 0.00020; gnomAD 0.00063 and 0.00065; TOPMed 0.00074; gnomAD exomes 0.00084; ESP Exome Variant Server 0.00085; ExAC 0.00086.
gnomAD v4.1: 1,717 of 1,612,192 alleles (0.11%); highest among the groups gnomAD compares: Non-Finnish European, 0.13%; 5 homozygotes.

Submissions (3):

Illumina Laboratory Services, Illumina
Classification: Benign for Pancreatic cancer, susceptibility to, 1. Last evaluated: 2018-01-12. Review status: criteria provided, single submitter. Criteria: ICSL Variant Classification Criteria 13 December 2019. Collection method: clinical testing. Allele origin: germline.
Comment: This variant was observed in the ICSL laboratory as part of a predisposition screen in an ostensibly healthy population. It had not been previously curated by ICSL or reported in the Human Gene Mutation Database (HGMD: prior to June 1st, 2018), and was therefore a candidate for classification through an automated scoring system. Utilizing variant allele frequency, disease prevalence and penetrance estimates, and inheritance mode, an automated score was calculated to assess if this variant is too frequent to cause the disease. Based on the score and internal cut-off values, a variant classified as benign is not then subjected to further curation. The score for this variant resulted in a classification of benign for this disease.

GeneDx
Classification: Uncertain significance. Last evaluated: 2014-02-10. Review status: criteria provided, single submitter. Criteria: GeneDx Variant Classification (06012015). Collection method: clinical testing. Allele origin: germline. Affected: yes.
Comment: PALLD has been only recently described in association with cancer predisposition and the risks are not well understood. This variant is denoted PALLD c.1040C>T at the cDNA level, p.Thr347Met (T347M) at the protein level, and results in the change of a Threonine to a Methionine (ACG>ATG). This variant has not, to our knowledge, been published in the literature as pathogenic or benign. PALLD Thr347Met was not observed at a significant allele frequency in the NHLBI Exome Sequencing Project. This variant is a non-conservative substitution in which a neutral polar amino acid is replaced with a neutral non-polar one, altering a position that is highly variable throughout evolution and is located in within the Ig-like C2-type 1 domain (Uniprot). Multiple in silico algorithms predict that this variant may be damaging to protein structure and function. On a molecular level, the impact of this missense variant on protein structure and function is not known and thus we consider this to be a variant of uncertain significance. Furthermore, based on the currently available information, cancer risks associated with this variant, and the PALLD gene, remain unclear.

PreventionGenetics, part of Exact Sciences
Classification: Likely benign for PALLD-related condition. Last evaluated: 2024-06-11. Review status: no assertion criteria provided. Collection method: clinical testing. Allele origin: germline. Not counted in ClinVar's aggregate classification.
Comment: This variant is classified as likely benign based on ACMG/AMP sequence variant interpretation guidelines (Richards et al. 2015 PMID: 25741868, with internal and published modifications).